The following is an entry in ClinVar:

NM_005228.5(EGFR):c.1149_1169dup (p.Pro389_Gln390insHisThrProProLeuAspPro)

Genes: EGFR (epidermal growth factor receptor; plus strand), LOC126860048 (P300/CBP strongly-dependent group 1 enhancer GRCh37_chr7:55223847-55225046; plus strand). Cytogenetic location: 7p11.2.
Variant type: Duplication.
Coding change: c.1149_1169dup on transcript NM_005228.5 (MANE Select); coding-DNA positions 1149 to 1169, 21 bases duplicated (TACTCCTCCTCTGGATCCACA).
Protein change: p.Pro389_Gln390insHisThrProProLeuAspPro.
Molecular consequence: inframe insertion.
Genome position (GRCh38, 1-based): chr7:55,156,774-55,156,794, TACTCCTCCTCTGGATCCACA duplicated; duplicating any 21 consecutive bases within chr7:55,156,770-55,156,794 gives the same sequence; the c. name uses the placement nearest the transcript's 3' end. VCF-style (leftmost placement, unchanged base first): chr7-55156769-A-ACACATACTCCTCCTCTGGATC. GRCh37 (hg19) VCF-style: chr7-55224462-A-ACACATACTCCTCCTCTGGATC.
Other names: c.1014_1034dup, p.Pro344_Gln345insHisThrProProLeuAspPro (NM_001346897.2, NM_001346899.2); c.1149_1169dup, p.Pro389_Gln390insHisThrProProLeuAspPro (NM_001346898.2, NM_201282.2, NM_201283.2 and 1 more transcripts); c.990_1010dup, p.Pro336_Gln337insHisThrProProLeuAspPro (NM_001346900.2); c.348_368dup, p.Pro122_Gln123insHisThrProProLeuAspPro (NM_001346941.2).
Identifiers: ClinVar variation 2804071 (VCV002804071.3), dbSNP rs2535530818, ClinGen allele CA2739265447.
Genomic context (GRCh38, chr7:55,156,769, plus strand): 5'-TTTAACTGGTAGAGATTGGTGATCAATAATCACCCTGTTGTTTGTTTCAGTGACTCCTTC[A>ACACATACTCCTCCTCTGGATC]CACATACTCCTCCTCTGGATCCACAGGAACTGGATATTCTGAAAACCGTAAAGGAAATCA-3'

ClinVar aggregate classification (germline): Uncertain significance (1 of 4 stars; one submission).

Conditions:
EGFR-related lung cancer (EGFR). Identifiers: MedGen CN130014.

Submission:

Labcorp Genetics (formerly Invitae), Labcorp
Classification: Uncertain significance for EGFR-related lung cancer. Last evaluated: 2022-10-18. Review status: criteria provided, single submitter. Criteria: Invitae Variant Classification Sherloc (09022015). Collection method: clinical testing. Allele origin: germline.
Comment: In summary, the available evidence is currently insufficient to determine the role of this variant in disease. Therefore, it has been classified as a Variant of Uncertain Significance. This variant has not been reported in the literature in individuals affected with EGFR-related conditions. This variant is not present in population databases (gnomAD no frequency). This variant, c.1149_1169dup, results in the insertion of 7 amino acid(s) of the EGFR protein (p.His383_Pro389dup), but otherwise preserves the integrity of the reading frame.